The following is an entry in ClinVar:

NM_178857.6(RP1L1):c.3413_3414del (p.Lys1138fs)

Gene: RP1L1 (RP1 like 1). Cytogenetic location: 8p23.1.
Variant type: Deletion.
Coding change: c.3413_3414del on transcript NM_178857.6 (MANE Select); coding-DNA positions 3413 to 3414, 2 bases deleted.
Protein change: p.Lys1138fs; shifts the reading frame from lysine 1138.
Molecular consequence: frameshift variant.
Genome position: GRCh38 VCF-style: chr8-10610683-CTT-C. GRCh37 (hg19) VCF-style: chr8-10468193-CTT-C.
Other names: short protein forms K1138fs.
Identifiers: ClinVar variation 866349 (VCV000866349.8), dbSNP rs766948560, ClinGen allele CA4624496.

ClinVar aggregate classification (germline): Likely pathogenic. Review status: criteria provided, multiple submitters, no conflicts (2 of 4 stars). 4 submissions from 4 submitters: Likely pathogenic (4). Last evaluated 2025-11-18.

Conditions:
Occult macular dystrophy (OCMD). Also called: OMD; OCCULT MACULAR DYSTROPHY, SUSCEPTIBILITY TO. Identifiers: Orphanet 247834, MedGen C3150833, MONDO:0013316, OMIM 613587, HP:0030636.
Retinitis pigmentosa 88. Identifiers: MedGen C5394208, MONDO:0032940, OMIM 618826.
RP1L1-related disorder. Also called: RP1L1-related condition.

Submissions (4):

GeneDx
Classification: Likely pathogenic. Last evaluated: 2025-11-18. Review status: criteria provided, single submitter. Criteria: GeneDx Variant Classification Process June 2021. Collection method: clinical testing. Allele origin: germline. Affected: yes.
Comment: Frameshift variant predicted to result in abnormal protein length as the last 1263 amino acids are replaced with 23 different amino acids, and other similar variants have been reported in HGMD; Reported in the heterozygous state in an individual with congenital stationary night blindness and visual impairment attributed to possible retinitis pigmentosa (PMID: 38374194); This variant is associated with the following publications: (PMID: 34965838, 38374194)

PreventionGenetics, part of Exact Sciences
Classification: Likely pathogenic for RP1L1-related condition. Last evaluated: 2025-09-09. Review status: criteria provided, single submitter. Criteria: ACMG Guidelines, 2015. Collection method: clinical testing. Allele origin: germline.
Comment: The RP1L1 c.3413_3414delAA variant is predicted to result in a frameshift and premature protein termination (p.Lys1138Serfs*24). This variant has been reported in the heterozygous state in an individual with retinitis pigmentosa (Supplementary table 2, Abolhassani et al. 2024. PubMed ID: 38374194) and in the homozygous state in an individual with maculopathy (Manayath et al. 2022. PubMed ID: 34965838). This variant is reported in 0.12% of alleles in individuals of South Asian descent in gnomAD. Frameshift variants in RP1L1 are expected to be pathogenic. This variant is interpreted as likely pathogenic.

Blueprint Genetics
Classification: Likely pathogenic for RP1L1-related disorders. Last evaluated: 2023-05-02. Review status: criteria provided, single submitter. Criteria: ACMG Guidelines, 2015. Collection method: clinical testing. Allele origin: germline. Affected: yes. Observed: 5 variant alleles.

Department of Pathology and Laboratory Medicine, Sinai Health System
Classification: Likely pathogenic for Occult macular dystrophy; Retinitis pigmentosa 88. Last evaluated: 2023-03-14. Review status: criteria provided, single submitter. Criteria: ACMG Guidelines, 2015. Collection method: research. Allele origin: germline.